The following is an entry in ClinVar:

ClinVar aggregate classification (germline): Uncertain significance (1 of 4 stars; one submission).

Conditions:
Dilated cardiomyopathy 1J (CMD1J). Also called: CARDIOMYOPATHY, DILATED, WITH SENSORINEURAL HEARING LOSS, AUTOSOMAL DOMINANT. Identifiers: Orphanet 217622, MedGen C1854368, MONDO:0011541, OMIM 605362.

Submission:

Labcorp Genetics (formerly Invitae), Labcorp
Classification: Uncertain significance for Dilated cardiomyopathy 1J. Last evaluated: 2022-01-06. Review status: criteria provided, single submitter. Criteria: Invitae Variant Classification Sherloc (09022015). Collection method: clinical testing. Allele origin: germline.
Comment: This variant has not been reported in the literature in individuals affected with EYA4-related conditions. This variant is not present in population databases (gnomAD no frequency). This sequence change replaces tyrosine, which is neutral and polar, with phenylalanine, which is neutral and non-polar, at codon 281 of the EYA4 protein (p.Tyr281Phe). Algorithms developed to predict the effect of missense changes on protein structure and function are either unavailable or do not agree on the potential impact of this missense change (SIFT: "Deleterious"; PolyPhen-2: "Probably Damaging"; Align-GVGD: "Class C15"). In summary, the available evidence is currently insufficient to determine the role of this variant in disease. Therefore, it has been classified as a Variant of Uncertain Significance.

NM_004100.5(EYA4):c.842A>T (p.Tyr281Phe)

Gene: EYA4 (EYA transcriptional coactivator and phosphatase 4; plus strand). Cytogenetic location: 6q23.2.
Variant type: single nucleotide variant.
Coding change: c.842A>T on transcript NM_004100.5 (MANE Select); coding-DNA position 842, A replaced by T.
Protein change: p.Tyr281Phe; replaces tyrosine 281 with phenylalanine.
Molecular consequence: missense variant.
Genome position (GRCh38, 1-based): chr6:133,468,603, A>T. VCF-style: chr6-133468603-A-T. GRCh37 (hg19) VCF-style: chr6-133789741-A-T.
Other names: c.680A>T, p.Tyr227Phe (NM_001301012.2, NM_001370459.1); c.842A>T, p.Tyr281Phe (NM_001301013.2, NM_172105.4); c.773A>T, p.Tyr258Phe (NM_001370458.1, NM_172103.4); short protein forms Y227F, Y258F, Y281F.
Identifiers: ClinVar variation 1445299 (VCV001445299.6), dbSNP rs558399007, ClinGen allele CA365703442.